The following is an entry in ClinVar:

ClinVar aggregate classification (germline): Likely benign. Review status: criteria provided, multiple submitters, no conflicts (2 of 4 stars). 5 submissions from 5 submitters: Likely benign (5). Last evaluated 2026-02-01.

Conditions:
MCM3AP-related disorder. Also called: MCM3AP-related condition.

Allele frequency attached by ClinVar (database versions not stated): 1000 Genomes Project 0.00120; 1000 Genomes Project 30x 0.00125; gnomAD exomes 0.00189 and 0.00329; ExAC 0.00203; gnomAD 0.00211 and 0.00218; TOPMed 0.00229; ESP Exome Variant Server 0.00284.
gnomAD v4.1: 5,034 of 1,601,844 alleles (0.31%); highest among the groups gnomAD compares: Non-Finnish European, 0.4%; 8 homozygotes.

Submissions (5):

CeGaT Center for Human Genetics Tuebingen
Classification: Likely benign. Last evaluated: 2026-02-01. Review status: criteria provided, single submitter. Criteria: CeGaT Center For Human Genetics Tuebingen Variant Classification Criteria Version 2. Collection method: clinical testing. Allele origin: germline. Affected: yes. Observed: 6 variant alleles.
Comment: MCM3AP: BP4

Labcorp Genetics (formerly Invitae), Labcorp
Classification: Likely benign. Last evaluated: 2026-02-01. Review status: criteria provided, single submitter. Criteria: Invitae Variant Classification Sherloc (09022015). Collection method: clinical testing. Allele origin: germline.

PreventionGenetics, part of Exact Sciences
Classification: Likely benign for MCM3AP-related condition. Last evaluated: 2025-09-01. Review status: criteria provided, single submitter. Criteria: ACMG Guidelines, 2015. Collection method: clinical testing. Allele origin: germline.
Comment: This variant is classified as likely benign based on ACMG/AMP sequence variant interpretation guidelines (Richards et al. 2015 PMID: 25741868, with internal and published modifications).

Mayo Clinic Laboratories, Mayo Clinic
Classification: Likely benign. Last evaluated: 2025-07-31. Review status: criteria provided, single submitter. Criteria: ACMG Guidelines, 2015. Collection method: clinical testing. Allele origin: germline. Observed: 10 variant alleles.
Comment: BS2, BP4, BP7

Blueprint Genetics
Classification: Likely benign. Last evaluated: 2024-11-27. Review status: criteria provided, single submitter. Criteria: ACMG Guidelines, 2015. Collection method: clinical testing. Allele origin: germline.

NM_003906.5(MCM3AP):c.5426+6G>A

Genes: MCM3AP (minichromosome maintenance complex component 3 associated protein; minus strand), MCM3AP-AS1 (MCM3AP antisense RNA 1; plus strand). Cytogenetic location: 21q22.3.
Variant type: single nucleotide variant.
Coding change: c.5426+6G>A on transcript NM_003906.5 (MANE Select); 6 bases into the intron after coding-DNA position 5426, G replaced by A.
Molecular consequence: intron variant. On other transcripts: non-coding transcript variant (2).
Genome position (GRCh38, 1-based): chr21:46,242,796, C>T on the plus strand (G>A on the coding strand, the complement: MCM3AP is on the minus strand). VCF-style: chr21-46242796-C-T. GRCh37 (hg19) VCF-style: chr21-47662710-C-T.
Other names: p.?.
Identifiers: ClinVar variation 717278 (VCV000717278.40), dbSNP rs117921348, ClinGen allele CA10075862.